The following is an entry in ClinVar:

NM_004519.4(KCNQ3):c.64G>A (p.Gly22Ser)

Gene: KCNQ3 (potassium voltage-gated channel subfamily Q member 3; minus strand). Cytogenetic location: 8q24.22.
Variant type: single nucleotide variant.
Coding change: c.64G>A on transcript NM_004519.4 (MANE Select); coding-DNA position 64, G replaced by A.
Protein change: p.Gly22Ser; replaces glycine 22 with serine.
Molecular consequence: missense variant.
Genome position (GRCh38, 1-based): chr8:132,480,469, C>T on the plus strand (G>A on the coding strand, the complement: KCNQ3 is on the minus strand). VCF-style: chr8-132480469-C-T. GRCh37 (hg19) VCF-style: chr8-133492716-C-T.
Other names: short protein forms G22S.
Identifiers: ClinVar variation 2831532 (VCV002831532.3), dbSNP rs2537398839, ClinGen allele CA372292967.

ClinVar aggregate classification (germline): Uncertain significance (1 of 4 stars; one submission).

Conditions:
Benign neonatal seizures. Also called: Convulsions benign familial neonatal dominant form; Autosomal dominant form of benign neonatal seizures; Benign familial neonatal epilepsy; Benign familial neonatal seizures; Benign neonatal familial convulsions. Identifiers: Orphanet 1949, MedGen C0220669, MONDO:0016027.

Submission:

Labcorp Genetics (formerly Invitae), Labcorp
Classification: Uncertain significance for Benign neonatal seizures. Last evaluated: 2023-09-20. Review status: criteria provided, single submitter. Criteria: Invitae Variant Classification Sherloc (09022015). Collection method: clinical testing. Allele origin: germline.
Comment: In summary, the available evidence is currently insufficient to determine the role of this variant in disease. Therefore, it has been classified as a Variant of Uncertain Significance. This variant is not present in population databases (gnomAD no frequency). This sequence change replaces glycine, which is neutral and non-polar, with serine, which is neutral and polar, at codon 22 of the KCNQ3 protein (p.Gly22Ser). Advanced modeling of protein sequence and biophysical properties (such as structural, functional, and spatial information, amino acid conservation, physicochemical variation, residue mobility, and thermodynamic stability) performed at Invitae indicates that this missense variant is not expected to disrupt KCNQ3 protein function. This variant has not been reported in the literature in individuals affected with KCNQ3-related conditions.